The following is an entry in ClinVar:

NM_020693.4(DSCAML1):c.34T>A (p.Ser12Thr)

Gene: DSCAML1 (DS cell adhesion molecule like 1; minus strand). Cytogenetic location: 11q23.3.
Variant type: single nucleotide variant.
Coding change: c.34T>A on transcript NM_020693.4 (MANE Select); coding-DNA position 34, T replaced by A.
Protein change: p.Ser12Thr; replaces serine 12 with threonine.
Molecular consequence: missense variant. On other transcripts: intron variant (1).
Genome position (GRCh38, 1-based): chr11:117,797,046, A>T on the plus strand (T>A on the coding strand, the complement: DSCAML1 is on the minus strand). VCF-style: chr11-117797046-A-T. GRCh37 (hg19) VCF-style: chr11-117667761-A-T.
Other names: c.34T>A, p.Ser12Thr (NM_001367904.1); c.-362-16236T>A (NM_001367905.1); short protein forms S12T.
Identifiers: ClinVar variation 2025550 (VCV002025550.4), dbSNP rs1407255928, ClinGen allele CA382762166.

ClinVar aggregate classification (germline): Uncertain significance (1 of 4 stars; one submission).

Submission:

Labcorp Genetics (formerly Invitae), Labcorp
Classification: Uncertain significance. Last evaluated: 2023-06-13. Review status: criteria provided, single submitter. Criteria: Invitae Variant Classification Sherloc (09022015). Collection method: clinical testing. Allele origin: germline.
Comment: This sequence change replaces serine, which is neutral and polar, with threonine, which is neutral and polar, at codon 72 of the DSCAML1 protein (p.Ser72Thr). This variant is not present in population databases (gnomAD no frequency). This variant has not been reported in the literature in individuals affected with DSCAML1-related conditions. ClinVar contains an entry for this variant (Variation ID: 2025550). An algorithm developed to predict the effect of missense changes on protein structure and function (PolyPhen-2) suggests that this variant is likely to be tolerated. In summary, the available evidence is currently insufficient to determine the role of this variant in disease. Therefore, it has been classified as a Variant of Uncertain Significance.